The following is an entry in ClinVar:

NM_000238.4(KCNH2):c.3245_3251dup (p.Gly1085fs)

Gene: KCNH2 (potassium voltage-gated channel subfamily H member 2; minus strand). Cytogenetic location: 7q36.1.
Variant type: Duplication.
Coding change: c.3245_3251dup on transcript NM_000238.4 (MANE Select); coding-DNA positions 3245 to 3251, 7 bases duplicated (CCACCCC; older notation c.3245_3251dupCCACCCC).
Protein change: p.Gly1085fs; shifts the reading frame from glycine 1085.
Molecular consequence: frameshift variant.
Genome position (GRCh38, 1-based): chr7:150,946,956-150,946,962, GGGGTGG duplicated on the plus strand (CCACCCC on the coding strand, the reverse complement: KCNH2 is on the minus strand). VCF-style (leftmost placement, unchanged base first): chr7-150946955-C-CGGGGTGG. GRCh37 (hg19) VCF-style: chr7-150644043-C-CGGGGTGG.
Other names: c.2957_2963dup, p.Gly989Hisfs (NM_001406753.1); c.2225_2231dup, p.Gly745fs (NM_172057.3); short protein forms G1085fs, G745fs.
Identifiers: ClinVar variation 2033107 (VCV002033107.4), dbSNP rs2486000773, ClinGen allele CA2580077686.

ClinVar aggregate classification (germline): Pathogenic (1 of 4 stars; one submission).

Conditions:
Long QT syndrome (LQTS). Identifiers: MedGen C0023976, MeSH D008133, MONDO:0002442. Disease mechanism: loss of function. Inheritance: Various modes of inheritance.

Submission:

Labcorp Genetics (formerly Invitae), Labcorp
Classification: Pathogenic for Long QT syndrome. Last evaluated: 2022-09-28. Review status: criteria provided, single submitter. Criteria: Invitae Variant Classification Sherloc (09022015). Collection method: clinical testing. Allele origin: germline.
Comment: This variant disrupts a region of the KCNH2 protein in which other variant(s) (p.Pro1086Alafs*33) have been determined to be pathogenic (PMID: 19716085, 19841300, 21483829; Invitae). This suggests that this is a clinically significant region of the protein, and that variants that disrupt it are likely to be disease-causing. For these reasons, this variant has been classified as Pathogenic. This variant has not been reported in the literature in individuals affected with KCNH2-related conditions. This variant is not present in population databases (gnomAD no frequency). This sequence change creates a premature translational stop signal (p.Gly1085Hisfs*36) in the KCNH2 gene. While this is not anticipated to result in nonsense mediated decay, it is expected to disrupt the last 75 amino acid(s) of the KCNH2 protein.

Literature cited by the submitters: PubMed 19716085; PubMed 19841300; PubMed 21483829.